The following is an entry in ClinVar:

ClinVar aggregate classification (germline): Uncertain significance. Review status: criteria provided, single submitter (1 of 4 stars). 2 submissions from 2 submitters: Uncertain significance (1). 1 of the submissions does not count toward it. Last evaluated 2022-08-31.

Conditions:
Autosomal recessive limb-girdle muscular dystrophy type 2C (LGMDR5). Also called: MUSCULAR DYSTROPHY, DUCHENNE-LIKE; MUSCULAR DYSTROPHY, LIMB-GIRDLE, AUTOSOMAL RECESSIVE 5. Identifiers: Orphanet 353, MedGen C0410173, MONDO:0009677, OMIM 253700. Disease mechanism: Affects gamma-sarcoglycan and also disrupts the integrity of the entire sarcoglycan complex..

Allele frequency attached by ClinVar (database versions not stated): TOPMed 0.00001; ExAC 0.00003.
gnomAD v4.1: 5 of 1,614,098 alleles (0.00031%); highest among the groups gnomAD compares: East Asian, 0.0089%; no homozygotes.

Submissions (2):

Labcorp Genetics (formerly Invitae), Labcorp
Classification: Uncertain significance for Autosomal recessive limb-girdle muscular dystrophy type 2C. Last evaluated: 2022-08-31. Review status: criteria provided, single submitter. Criteria: Invitae Variant Classification Sherloc (09022015). Collection method: clinical testing. Allele origin: germline.
Comment: This sequence change replaces glutamic acid, which is acidic and polar, with aspartic acid, which is acidic and polar, at codon 19 of the SGCG protein (p.Glu19Asp). This variant is present in population databases (rs752669226, gnomAD 0.03%). This variant has not been reported in the literature in individuals affected with SGCG-related conditions. ClinVar contains an entry for this variant (Variation ID: 862021). Algorithms developed to predict the effect of missense changes on protein structure and function output the following: SIFT: "Tolerated"; PolyPhen-2: "Benign"; Align-GVGD: "Class C0". The aspartic acid amino acid residue is found in multiple mammalian species, which suggests that this missense change does not adversely affect protein function. In summary, the available evidence is currently insufficient to determine the role of this variant in disease. Therefore, it has been classified as a Variant of Uncertain Significance.

Natera, Inc.
Classification: Uncertain significance for Limb-girdle muscular dystrophy type 2C. Last evaluated: 2020-08-17. Review status: no assertion criteria provided. Collection method: clinical testing. Allele origin: germline. Not counted in ClinVar's aggregate classification.

NM_000231.3(SGCG):c.57G>T (p.Glu19Asp)

Gene: SGCG (sarcoglycan gamma; plus strand). Cytogenetic location: 13q12.12.
Variant type: single nucleotide variant.
Coding change: c.57G>T on transcript NM_000231.3 (MANE Select); coding-DNA position 57, G replaced by T.
Protein change: p.Glu19Asp; replaces glutamic acid 19 with aspartic acid.
Molecular consequence: missense variant.
Genome position (GRCh38, 1-based): chr13:23,203,751, G>T. VCF-style: chr13-23203751-G-T. GRCh37 (hg19) VCF-style: chr13-23777890-G-T.
Other names: c.111G>T, p.Glu37Asp (NM_001378244.1); c.57G>T, p.Glu19Asp (NM_001378245.1, NM_001378246.1); short protein forms E37D, E19D.
Identifiers: ClinVar variation 862021 (VCV000862021.9), dbSNP rs752669226, ClinGen allele CA6909559.